The following is an entry in ClinVar:

NM_000051.4(ATM):c.1608-14T>A

Gene: ATM (ATM serine/threonine kinase; plus strand). Cytogenetic location: 11q22.3.
Variant type: single nucleotide variant.
Coding change: c.1608-14T>A on transcript NM_000051.4 (MANE Select); 14 bases into the intron before coding-DNA position 1608, T replaced by A.
Molecular consequence: intron variant.
Genome position (GRCh38, 1-based): chr11:108,251,823, T>A. VCF-style: chr11-108251823-T-A. GRCh37 (hg19) VCF-style: chr11-108122550-T-A.
Other names: c.1608-14T>A (NM_001351834.2).
Identifiers: ClinVar variation 3687662 (VCV003687662.2).

ClinVar aggregate classification (germline): Uncertain significance (1 of 4 stars; one submission).

Conditions:
Ataxia-telangiectasia syndrome (AT). Also called: Ataxia telangiectasia (A-T); LOUIS-BAR SYNDROME; Cerebello-oculocutaneous telangiectasia; Immunodeficiency with ataxia telangiectasia; Ataxia-telangiectasia, complementation group E; Ataxia-telangiectasia. Identifiers: Orphanet 100, MedGen C0004135, MONDO:0008840, OMIM 208900.

Submission:

Labcorp Genetics (formerly Invitae), Labcorp
Classification: Uncertain significance for Ataxia-telangiectasia syndrome. Last evaluated: 2024-10-23. Review status: criteria provided, single submitter. Criteria: Invitae Variant Classification Sherloc (09022015). Collection method: clinical testing. Allele origin: germline.
Comment: This sequence change falls in intron 10 of the ATM gene. It does not directly change the encoded amino acid sequence of the ATM protein. This variant is not present in population databases (gnomAD no frequency). This variant has not been reported in the literature in individuals affected with ATM-related conditions. Algorithms developed to predict the effect of sequence changes on RNA splicing suggest that this variant may disrupt the consensus splice site. In summary, the available evidence is currently insufficient to determine the role of this variant in disease. Therefore, it has been classified as a Variant of Uncertain Significance.